The following is an entry in ClinVar:

ClinVar aggregate classification (germline): Uncertain significance (1 of 4 stars; one submission).

Conditions:
Inborn genetic diseases. Identifiers: MedGen C0950123, MeSH D030342.

Submission:

Ambry Genetics
Classification: Uncertain significance for Inborn genetic diseases. Last evaluated: 2026-08-12. Review status: criteria provided, single submitter. Criteria: Ambry Variant Classification Scheme 2023. Collection method: clinical testing. Allele origin: germline.
Comment: The p.F217L variant (also known as c.651C>G), located in coding exon 1 of the SAMD9L gene, results from a C to G substitution at nucleotide position 651. The phenylalanine at codon 217 is replaced by leucine, an amino acid with highly similar properties. This amino acid position is conserved. In addition, this alteration is predicted to be tolerated by in silico analysis. Based on the available evidence, the clinical significance of this variant remains unclear.

NM_152703.5(SAMD9L):c.651C>G (p.Phe217Leu)

Gene: SAMD9L (sterile alpha motif domain containing 9 like; minus strand). Cytogenetic location: 7q21.2.
Variant type: single nucleotide variant.
Coding change: c.651C>G on transcript NM_152703.5 (MANE Select); coding-DNA position 651, C replaced by G.
Protein change: p.Phe217Leu; replaces phenylalanine 217 with leucine.
Molecular consequence: missense variant.
Genome position (GRCh38, 1-based): chr7:93,135,321, G>C on the plus strand (C>G on the coding strand, the complement: SAMD9L is on the minus strand). VCF-style: chr7-93135321-G-C. GRCh37 (hg19) VCF-style: chr7-92764634-G-C.
Other names: c.651C>G, p.Phe217Leu (NM_001303496.3, NM_001303497.3, NM_001303498.3 and 5 more transcripts); short protein forms F217L.
Identifiers: ClinVar variation 5028948 (VCV005028948.1).